The following is an entry in ClinVar:

ClinVar aggregate classification (germline): Uncertain significance (1 of 4 stars; one submission).

Conditions:
Holoprosencephaly sequence (HPE). Also called: Holoprosencephaly. Identifiers: Orphanet 2162, MedGen C0079541, MONDO:0016296, HP:0001360.

Allele frequency attached by ClinVar (database versions not stated): TOPMed 0.00007; ExAC 0.00011; gnomAD exomes 0.00014.

Submission:

Labcorp Genetics (formerly Invitae), Labcorp
Classification: Uncertain significance for Holoprosencephaly sequence. Last evaluated: 2023-08-04. Review status: criteria provided, single submitter. Criteria: Invitae Variant Classification Sherloc (09022015). Collection method: clinical testing. Allele origin: germline.
Comment: This variant is present in population databases (rs752459708, gnomAD 0.07%), and has an allele count higher than expected for a pathogenic variant. This sequence change replaces serine, which is neutral and polar, with threonine, which is neutral and polar, at codon 158 of the FOXH1 protein (p.Ser158Thr). This variant has not been reported in the literature in individuals affected with FOXH1-related conditions. In summary, the available evidence is currently insufficient to determine the role of this variant in disease. Therefore, it has been classified as a Variant of Uncertain Significance. Advanced modeling of protein sequence and biophysical properties (such as structural, functional, and spatial information, amino acid conservation, physicochemical variation, residue mobility, and thermodynamic stability) performed at Invitae indicates that this missense variant is not expected to disrupt FOXH1 protein function. ClinVar contains an entry for this variant (Variation ID: 956321).

NM_003923.3(FOXH1):c.473G>C (p.Ser158Thr)

Gene: FOXH1 (forkhead box H1; minus strand). Cytogenetic location: 8q24.3.
Variant type: single nucleotide variant.
Coding change: c.473G>C on transcript NM_003923.3 (MANE Select); coding-DNA position 473, G replaced by C.
Protein change: p.Ser158Thr; replaces serine 158 with threonine.
Molecular consequence: missense variant.
Genome position (GRCh38, 1-based): chr8:144,474,863, C>G on the plus strand (G>C on the coding strand, the complement: FOXH1 is on the minus strand). VCF-style: chr8-144474863-C-G. GRCh37 (hg19) VCF-style: chr8-145700246-C-G.
Other names: short protein forms S158T.
Identifiers: ClinVar variation 956321 (VCV000956321.8), dbSNP rs752459708, ClinGen allele CA4945526.